The following is an entry in ClinVar:

NM_001099402.2(CCNK):c.160G>A (p.Ala54Thr)

Gene: CCNK (cyclin K; plus strand). Cytogenetic location: 14q32.2.
Variant type: single nucleotide variant.
Coding change: c.160G>A on transcript NM_001099402.2 (MANE Select); coding-DNA position 160, G replaced by A.
Protein change: p.Ala54Thr; replaces alanine 54 with threonine.
Molecular consequence: missense variant.
Genome position (GRCh38, 1-based): chr14:99,492,837, G>A. VCF-style: chr14-99492837-G-A. GRCh37 (hg19) VCF-style: chr14-99959174-G-A.
Other names: short protein forms A54T.
Identifiers: ClinVar variation 1370167 (VCV001370167.6), dbSNP rs749729510, ClinGen allele CA266133257.

ClinVar aggregate classification (germline): Uncertain significance (1 of 4 stars; one submission).

Allele frequency attached by ClinVar (database versions not stated): gnomAD exomes below 0.00001; TOPMed below 0.00001; gnomAD 0.00001.
gnomAD v4.1: 5 of 1,607,158 alleles (0.00031%); highest among the groups gnomAD compares: South Asian, 0.0011%; no homozygotes.

Submission:

Labcorp Genetics (formerly Invitae), Labcorp
Classification: Uncertain significance. Last evaluated: 2021-07-30. Review status: criteria provided, single submitter. Criteria: Invitae Variant Classification Sherloc (09022015). Collection method: clinical testing. Allele origin: germline.
Comment: In summary, the available evidence is currently insufficient to determine the role of this variant in disease. Therefore, it has been classified as a Variant of Uncertain Significance. Algorithms developed to predict the effect of missense changes on protein structure and function are either unavailable or do not agree on the potential impact of this missense change (SIFT: "Deleterious"; PolyPhen-2: "Probably Damaging"; Align-GVGD: "Class C0"). This variant has not been reported in the literature in individuals affected with CCNK-related conditions. This variant is not present in population databases (ExAC no frequency). This sequence change replaces alanine with threonine at codon 54 of the CCNK protein (p.Ala54Thr). The alanine residue is highly conserved and there is a small physicochemical difference between alanine and threonine.